The following is an entry in ClinVar:

ClinVar aggregate classification (germline): drug response (0 of 4 stars; one submission).

Conditions:
Thalidomide response. Identifiers: MedGen CN297989.

gnomAD v4.1: 372,941 of 1,365,632 alleles (27%); highest among the groups gnomAD compares: Non-Finnish European, 31%; 56,173 homozygotes.

Submission:

Rare Diseases Genetics and Genomics, Islamia College Peshawar
Classification: drug response for Thalidomide response. Review status: no assertion criteria provided. Collection method: research. Allele origin: germline. Affected: yes.
Comment: this variant was associated with non-response to thalidomide (not achieving transfusion independence)

NM_001378204.1(CCDC18):c.-3+9C>T

Genes: CCDC18 (coiled-coil domain containing 18; plus strand), LOC129930951 (ATAC-STARR-seq lymphoblastoid active region 1328; plus strand). Cytogenetic location: 1p22.1.
Variant type: single nucleotide variant.
Coding change: c.-3+9C>T on transcript NM_001378204.1 (MANE Select); 9 bases into the intron after 3 bases upstream of the start codon, C replaced by T.
Molecular consequence: intron variant. On other transcripts: 5 prime UTR variant (2).
Genome position (GRCh38, 1-based): chr1:93,180,861, C>T. VCF-style: chr1-93180861-C-T. GRCh37 (hg19) VCF-style: chr1-93646418-C-T.
Other names: c.-24C>T (NM_001306076.1, NM_206886.4).
Identifiers: ClinVar variation 3900033 (VCV003900033.1).
Genomic context (GRCh38, chr1:93,180,861, plus strand): 5'-AGGGTCAGAGGCTTCCTAACGCAGACTCGAGTGCGAAGCGCGCAGTCGCCGGGTGGGTCT[C>T]TCCCCAGCGACGATTTGGGTGGTGAGCGACTGCGCCTTGGCGTGGGGAAACCGGCTTACC-3'